The following is an entry in ClinVar:

ClinVar aggregate classification (germline): Pathogenic. Review status: criteria provided, multiple submitters, no conflicts (2 of 4 stars). 2 submissions from 2 submitters: Pathogenic (2). Last evaluated 2024-09-08.

Conditions:
Sponastrime dysplasia. Also called: SPONDYLAR AND NASAL ALTERATIONS WITH STRIATED METAPHYSES. Identifiers: Orphanet 93357, MedGen C1300260, MONDO:0010068, OMIM 271510.

Allele frequency attached by ClinVar (database versions not stated): gnomAD 0.00001; TOPMed 0.00001; ExAC 0.00002; gnomAD exomes 0.00006.

Submissions (2):

Labcorp Genetics (formerly Invitae), Labcorp
Classification: Pathogenic. Last evaluated: 2024-09-08. Review status: criteria provided, single submitter. Criteria: Invitae Variant Classification Sherloc (09022015). Collection method: clinical testing. Allele origin: germline.
Comment: This sequence change creates a premature translational stop signal (p.Ser1183Argfs*9) in the TONSL gene. It is expected to result in an absent or disrupted protein product. Loss-of-function variants in TONSL are known to be pathogenic (PMID: 30773277). This variant is present in population databases (rs782201765, gnomAD 0.004%). This variant has not been reported in the literature in individuals affected with TONSL-related conditions. ClinVar contains an entry for this variant (Variation ID: 1805067). Algorithms developed to predict the effect of sequence changes on RNA splicing suggest that this variant may create or strengthen a splice site. For these reasons, this variant has been classified as Pathogenic.

Victorian Clinical Genetics Services, Murdoch Childrens Research Institute
Classification: Pathogenic for Sponastrime dysplasia. Last evaluated: 2022-02-02. Review status: criteria provided, single submitter. Criteria: ACMG Guidelines, 2015. Collection method: clinical testing. Allele origin: germline. Inheritance: Autosomal recessive inheritance. Affected: yes.
Comment: Based on the classification scheme VCGS_Germline_v1.3.4, this variant is classified as Pathogenic. Following criteria are met: 0102 - Loss of function is a known mechanism of disease in this gene and is associated with spondyloepimetaphyseal dysplasia, sponastrime type (MIM#271510). (I) 0106 - This gene is associated with autosomal recessive disease. (I) 0201 - Variant is predicted to cause nonsense-mediated decay (NMD) and loss of protein (premature termination codon is located at least 54 nucleotides upstream of the final exon-exon junction). (SP) 0251 - This variant is heterozygous. (I) 0304 - Variant is present in gnomAD (v2) <0.01 for a recessive condition (4 heterozygotes, 0 homozygotes). (SP) 0701 - Other NMD-predicted variants comparable to the one identified in this case have very strong previous evidence for pathogenicity. NMD-predicted variants have been reported in multiple affected individuals, typically in a compound heterozygous state with a missense variant (PMID: 30773277, 30773278). (SP) 0807 - This variant has no previous evidence of pathogenicity. (I) 0905 - No published segregation evidence has been identified for this variant. (I) 1007 - No published functional evidence has been identified for this variant. (I) Legend: (SP) - Supporting pathogenic, (I) - Information, (SB) - Supporting benign

Literature cited by the submitters: PubMed 30773277 (cited by Labcorp Genetics (formerly Invitae), Labcorp and Victorian Clinical Genetics Services, Murdoch Childrens Research Institute); PubMed 30773278 (cited by Victorian Clinical Genetics Services, Murdoch Childrens Research Institute).

NM_013432.5(TONSL):c.3549del (p.Ser1183fs)

Gene: TONSL (tonsoku like, DNA repair protein; minus strand). Cytogenetic location: 8q24.3.
Variant type: Deletion.
Coding change: c.3549del on transcript NM_013432.5 (MANE Select); coding-DNA position 3549, one base deleted (T; older notation c.3549delT).
Protein change: p.Ser1183fs; shifts the reading frame from serine 1183.
Molecular consequence: frameshift variant.
Genome position (GRCh38, 1-based): chr8:144,433,598, A deleted on the plus strand (T on the coding strand, the reverse complement: TONSL is on the minus strand). VCF-style (leftmost placement, unchanged base first): chr8-144433597-CA-C. GRCh37 (hg19) VCF-style: chr8-145658980-CA-C.
Other names: short protein forms S1183fs.
Identifiers: ClinVar variation 1805067 (VCV001805067.3), dbSNP rs782201765, ClinGen allele CA4942482.